The following is an entry in ClinVar:

NM_006059.4(LAMC3):c.341A>G (p.Tyr114Cys)

Gene: LAMC3 (laminin subunit gamma 3; plus strand). Cytogenetic location: 9q34.12.
Variant type: single nucleotide variant.
Coding change: c.341A>G on transcript NM_006059.4 (MANE Select); coding-DNA position 341, A replaced by G.
Protein change: p.Tyr114Cys; replaces tyrosine 114 with cysteine.
Molecular consequence: missense variant.
Genome position (GRCh38, 1-based): chr9:131,009,555, A>G. VCF-style: chr9-131009555-A-G. GRCh37 (hg19) VCF-style: chr9-133884942-A-G.
Other names: short protein forms Y114C.
Identifiers: ClinVar variation 1971456 (VCV001971456.4), dbSNP rs1320195044, ClinGen allele CA375250904.

ClinVar aggregate classification (germline): Uncertain significance (1 of 4 stars; one submission).

Allele frequency attached by ClinVar (database versions not stated): gnomAD exomes below 0.00001; TOPMed below 0.00001.
gnomAD v4.1: 5 of 1,569,822 alleles (0.00032%); highest among the groups gnomAD compares: Admixed American, 0.0055%; no homozygotes.

Submission:

Labcorp Genetics (formerly Invitae), Labcorp
Classification: Uncertain significance. Last evaluated: 2025-03-10. Review status: criteria provided, single submitter. Criteria: Invitae Variant Classification Sherloc (09022015). Collection method: clinical testing. Allele origin: germline.
Comment: This sequence change replaces tyrosine, which is neutral and polar, with cysteine, which is neutral and slightly polar, at codon 114 of the LAMC3 protein (p.Tyr114Cys). The frequency data for this variant in the population databases is considered unreliable, as metrics indicate poor data quality at this position in the gnomAD database. This variant has not been reported in the literature in individuals affected with LAMC3-related conditions. ClinVar contains an entry for this variant (Variation ID: 1971456). An algorithm developed to predict the effect of missense changes on protein structure and function (PolyPhen-2) suggests that this variant is likely to be disruptive. In summary, the available evidence is currently insufficient to determine the role of this variant in disease. Therefore, it has been classified as a Variant of Uncertain Significance.